The following is an entry in ClinVar:

NM_000283.4(PDE6B):c.2352+14G>A

Gene: PDE6B (phosphodiesterase 6B; plus strand). Cytogenetic location: 4p16.3.
Variant type: single nucleotide variant.
Coding change: c.2352+14G>A on transcript NM_000283.4 (MANE Select); 14 bases into the intron after coding-DNA position 2352, G replaced by A.
Molecular consequence: intron variant.
Genome position (GRCh38, 1-based): chr4:666,628, G>A. VCF-style: chr4-666628-G-A. GRCh37 (hg19) VCF-style: chr4-660417-G-A.
Other names: c.2352+14G>A (NM_001145291.2); c.1515+14G>A (NM_001379246.1, NM_001379247.1, NM_001145292.2 and 1 more transcripts); c.1197+14G>A (NM_001350155.3).
Identifiers: ClinVar variation 903825 (VCV000903825.9), dbSNP rs752968664, ClinGen allele CA2795019.

ClinVar aggregate classification (germline): Conflicting classifications of pathogenicity. Review status: criteria provided, conflicting classifications (1 of 4 stars). 4 submissions from 3 submitters: Uncertain significance (1); Benign (2); Likely benign (1). Last evaluated 2025-09-10.

Conditions:
Retinitis pigmentosa (RP). Identifiers: Orphanet 791, MedGen C0035334, MeSH D012174, MONDO:0019200, OMIM 268000. Inheritance: Autosomal dominant, autosomal recessive and X linked inheritance.
Congenital stationary night blindness autosomal dominant 2. Also called: NIGHT BLINDNESS, CONGENITAL STATIONARY, RAMBUSCH TYPE. Identifiers: Orphanet 215, MedGen C1876182, MONDO:0008099, OMIM 163500.

Allele frequency attached by ClinVar (database versions not stated): TOPMed 0.00003; gnomAD exomes 0.00010; ExAC 0.00014.
gnomAD v4.1: 78 of 1,583,976 alleles (0.0049%); highest among the groups gnomAD compares: South Asian, 0.054%; 1 homozygote.

Submissions (4):

Labcorp Genetics (formerly Invitae), Labcorp
Classification: Benign. Last evaluated: 2025-09-10. Review status: criteria provided, single submitter. Criteria: Invitae Variant Classification Sherloc (09022015). Collection method: clinical testing. Allele origin: germline.

Blueprint Genetics
Classification: Likely benign. Last evaluated: 2024-01-12. Review status: criteria provided, single submitter. Criteria: ACMG Guidelines, 2015. Collection method: clinical testing. Allele origin: germline.

Illumina Laboratory Services, Illumina
Classification: Uncertain significance for Retinitis pigmentosa. Last evaluated: 2018-01-12. Review status: criteria provided, single submitter. Criteria: ICSL Variant Classification Criteria 13 December 2019. Collection method: clinical testing. Allele origin: germline.

Illumina Laboratory Services, Illumina
Classification: Benign for Congenital stationary night blindness autosomal dominant 2. Last evaluated: 2018-01-12. Review status: criteria provided, single submitter. Criteria: ICSL Variant Classification Criteria 13 December 2019. Collection method: clinical testing. Allele origin: germline.
Comment: This variant was observed in the ICSL laboratory as part of a predisposition screen in an ostensibly healthy population. It had not been previously curated by ICSL or reported in the Human Gene Mutation Database (HGMD: prior to June 1st, 2018), and was therefore a candidate for classification through an automated scoring system. Utilizing variant allele frequency, disease prevalence and penetrance estimates, and inheritance mode, an automated score was calculated to assess if this variant is too frequent to cause the disease. Based on the score and internal cut-off values, a variant classified as benign is not then subjected to further curation. The score for this variant resulted in a classification of benign for this disease.